The following is an entry in ClinVar:

ClinVar aggregate classification (germline): Conflicting classifications of pathogenicity. Review status: criteria provided, conflicting classifications (1 of 4 stars). 3 submissions from 2 submitters: Uncertain significance (2); Likely benign (1). Last evaluated 2018-07-16.

Conditions:
Maturity-onset diabetes of the young (MODY). Also called: Maturity onset diabetes mellitus in young. Identifiers: Orphanet 552, MedGen C0342276, MONDO:0018911, HP:0004904.
Transitory neonatal diabetes mellitus. Also called: Transient neonatal diabetes mellitus. Identifiers: MedGen C0342273, MONDO:0020525, HP:0008255.

Submissions (3):

Labcorp Genetics (formerly Invitae), Labcorp
Classification: Likely benign. Last evaluated: 2018-07-16. Review status: criteria provided, single submitter. Criteria: Invitae Variant Classification Sherloc (09022015). Collection method: clinical testing. Allele origin: germline.

Clinical Genomics, Uppaluri K&H Personalized Medicine Clinic
Classification: Uncertain significance for Maturity-onset diabetes of the young. Review status: criteria provided, single submitter. Criteria: K & H Uppaluri Personalized Medicine Clinic Variant Classification & Assertion Criteria_Updated V.1. Collection method: research. Allele origin: somatic. Inheritance: Somatic mutation.
Comment: Mutations in ABCC8 gene are associated with both neonatal diabetes mellitus as well as MODY. Patients with this mutation may have a better response to sulfonylureas. However, no sufficient evidence is found to ascertain the role of this particular variant (rs1591718533) in MODY yet.

Clinical Genomics, Uppaluri K&H Personalized Medicine Clinic
Classification: Uncertain significance for Transitory neonatal diabetes mellitus. Review status: criteria provided, single submitter. Criteria: K & H Uppaluri Personalized Medicine Clinic Variant Classification & Assertion Criteria_Updated V.1. Collection method: research. Allele origin: somatic. Inheritance: Somatic mutation.
Comment: Mutations in ABCC8 gene are associated with both neonatal diabetes mellitus as well as MODY. Patients with this mutation may have a better response to sulfonylureas. However, no sufficient evidence is found to ascertain the role of this particular variant (rs1591718533) in neonatal diabetes yet.

Literature cited by the submitters: PubMed 16885549 (cited by Clinical Genomics, Uppaluri K&H Personalized Medicine Clinic); PubMed 21989597 (cited by Clinical Genomics, Uppaluri K&H Personalized Medicine Clinic); PubMed 27538677 (cited by Clinical Genomics, Uppaluri K&H Personalized Medicine Clinic); PubMed 18981553 (cited by Clinical Genomics, Uppaluri K&H Personalized Medicine Clinic); PubMed 32027066 (cited by Clinical Genomics, Uppaluri K&H Personalized Medicine Clinic); PubMed 16613899 (cited by Clinical Genomics, Uppaluri K&H Personalized Medicine Clinic); PubMed 18025408 (cited by Clinical Genomics, Uppaluri K&H Personalized Medicine Clinic); PubMed 32792356 (cited by Clinical Genomics, Uppaluri K&H Personalized Medicine Clinic).

NM_000352.6(ABCC8):c.3753+10A>G

Gene: ABCC8 (ATP binding cassette subfamily C member 8; minus strand). Cytogenetic location: 11p15.1.
Variant type: single nucleotide variant.
Coding change: c.3753+10A>G on transcript NM_000352.6 (MANE Select); 10 bases into the intron after coding-DNA position 3753, A replaced by G.
Molecular consequence: intron variant.
Genome position (GRCh38, 1-based): chr11:17,398,329, T>C on the plus strand (A>G on the coding strand, the complement: ABCC8 is on the minus strand). VCF-style: chr11-17398329-T-C. GRCh37 (hg19) VCF-style: chr11-17419876-T-C.
Other names: c.3750+10A>G (NM_001351297.2); c.3753+10A>G (NM_001351296.2); c.3819+10A>G (NM_001351295.2); c.3756+10A>G (NM_001287174.3).
Identifiers: ClinVar variation 758125 (VCV000758125.4), dbSNP rs1591718533, ClinGen allele CA915947969.
Genomic context (GRCh38, chr11:17,398,329, plus strand): 5'-GGTACCTGTGTGCTCTTGCTCTGGCCCCACCCTCCTATCAGAGGCCAGGGTAGAGGGGAA[T>C]AGCACTTGCCATTCGGACTTCCAGCCATCTGTTGGCAGCTGTGAGGAAGAGGGAAGCAAT-3'